The following is an entry in ClinVar:

NM_007294.4(BRCA1):c.134+17T>G

Gene: BRCA1 (BRCA1 DNA repair associated; minus strand). Cytogenetic location: 17q21.31.
Variant type: single nucleotide variant.
Coding change: c.134+17T>G on transcript NM_007294.4 (MANE Select); 17 bases into the intron after coding-DNA position 134, T replaced by G.
Molecular consequence: intron variant.
Genome position (GRCh38, 1-based): chr17:43,115,709, A>C on the plus strand (T>G on the coding strand, the complement: BRCA1 is on the minus strand). VCF-style: chr17-43115709-A-C. GRCh37 (hg19) VCF-style: chr17-41267726-A-C.
Other names: c.134+17T>G (NM_001407672.1, NM_001408398.1, NM_001407992.1 and 191 more transcripts); c.-55+17T>G (NM_001407917.1, NM_001407956.1, NM_001407897.1 and 52 more transcripts); c.-8+17T>G (NM_001408462.1, NM_001407697.1, NM_001407838.1 and 47 more transcripts); c.-55+8308T>G (NM_001407902.1, NM_001407898.1, NM_001407881.1); c.-124+17T>G (NM_001407724.1, NM_001407746.1, NM_001408468.1 and 13 more transcripts); c.-219+9568T>G (NM_001407967.1); c.-170+9568T>G (NM_001407959.1); c.-7-9176T>G (NM_001407931.1, NM_001407747.1, NM_001408511.1 and 2 more transcripts); and 10 more.
Identifiers: ClinVar variation 868190 (VCV000868190.3), dbSNP rs2055238405, ClinGen allele CA916080960.
Genomic context (GRCh38, chr17:43,115,709, plus strand): 5'-AAAGTTAGGTGTTTCCTGGGTTATGAAGGACAAAAACAAAAGCTAATAATGGAGCCACAT[A>C]ACACATTCAAACTTACTTGCAAAATATGTGGTCACACTTTGTGGAGACAGGTTCCTTGAT-3'

Conditions:
Breast-ovarian cancer, familial, susceptibility to, 1 (BROVCA1). Also called: BRCA1 Hereditary Breast and Ovarian Cancer; OVARIAN CANCER, SUSCEPTIBILITY TO. Identifiers: Orphanet 145, MedGen C2676676, MONDO:0011450, OMIM 604370. Disease mechanism: loss of function.

Submission:

Brotman Baty Institute, University of Washington
No classification provided (evidence only). Condition: Breast-ovarian cancer, familial 1. Review status: no classification provided. Collection method: in vitro. Allele origin: not applicable. Functional consequence: functionally_normal.
ClinVar note: "not provided" was previously submitted as the classification for the variant. However, the classification appeared to be based only on an observation of functional data so it was converted to no classification on 2025-07-30.